The following is an entry in ClinVar:

ClinVar aggregate classification (germline): Conflicting classifications of pathogenicity. Review status: criteria provided, conflicting classifications (1 of 4 stars). 6 submissions from 6 submitters: Uncertain significance (4); Likely benign (1). 1 of the submissions does not count toward it. Last evaluated 2025-12-09.

Conditions:
Hereditary cancer-predisposing syndrome. Also called: Tumor predisposition; Neoplastic Syndromes, Hereditary; Hereditary neoplastic syndrome; Hereditary Cancer Syndrome. Identifiers: Orphanet 140162, MedGen C0027672, MeSH D009386, MONDO:0015356.
Hereditary breast ovarian cancer syndrome. Also called: Hereditary breast and ovarian cancer; Hereditary breast and ovarian cancer syndrome (HBOC); Hereditary breast and/or ovarian cancer syndrome; Breast and ovarian cancer; Hereditary breast and ovarian cancer syndrome; BRCA1- and BRCA2-Associated Hereditary Breast and Ovarian Cancer. Identifiers: Orphanet 145, MedGen C0677776, MeSH D061325, MONDO:0003582. Disease mechanism: loss of function.
Breast-ovarian cancer, familial, susceptibility to, 2 (BROVCA2). Also called: BRCA2 Hereditary Breast and Ovarian Cancer. Identifiers: Orphanet 145, MedGen C2675520, MONDO:0012933, OMIM 612555. Disease mechanism: loss of function.

Allele frequency attached by ClinVar (database versions not stated): ESP Exome Variant Server 0.00008.
gnomAD v4.1: 1 of 1,612,856 alleles (0.000062%); highest among the groups gnomAD compares: African/African-American, 0.0013%; no homozygotes.

Submissions (6):

Labcorp Genetics (formerly Invitae), Labcorp
Classification: Uncertain significance for Hereditary breast ovarian cancer syndrome. Last evaluated: 2025-12-09. Review status: criteria provided, single submitter. Criteria: Invitae Variant Classification Sherloc (09022015). Collection method: clinical testing. Allele origin: germline.
Comment: This sequence change replaces serine, which is neutral and polar, with threonine, which is neutral and polar, at codon 2067 of the BRCA2 protein (p.Ser2067Thr). This variant is not present in population databases (gnomAD no frequency). This variant has not been reported in the literature in individuals affected with BRCA2-related conditions. ClinVar contains an entry for this variant (Variation ID: 38025). Invitae Evidence Modeling of protein sequence and biophysical properties (such as structural, functional, and spatial information, amino acid conservation, physicochemical variation, residue mobility, and thermodynamic stability) indicates that this missense variant is not expected to disrupt BRCA2 protein function with a negative predictive value of 95%. In summary, the available evidence is currently insufficient to determine the role of this variant in disease. Therefore, it has been classified as a Variant of Uncertain Significance.

Color Diagnostics, LLC DBA Color Health
Classification: Uncertain significance for Hereditary cancer-predisposing syndrome. Last evaluated: 2025-08-12. Review status: criteria provided, single submitter. Criteria: ACMG Guidelines, 2015. Collection method: clinical testing. Allele origin: germline.
Comment: This missense variant replaces serine with threonine at codon 2067 of the BRCA2 protein. Computational prediction suggests that this variant may not impact protein structure and function. To our knowledge, functional studies have not been reported for this variant. A multifactorial analysis has reached a combined likelihood ratio (LR) of 0.546 based on reported LR for co-occurrence with a pathogenic variant and personal and family history for 1 carrier (PMID: 31853058). This variant has not been identified in the general population by the Genome Aggregation Database (gnomAD). The available evidence is insufficient to determine the role of this variant in disease conclusively. Therefore, this variant is classified as a Variant of Uncertain Significance.

Ambry Genetics
Classification: Uncertain significance for Hereditary cancer-predisposing syndrome. Last evaluated: 2024-10-05. Review status: criteria provided, single submitter. Criteria: Ambry Variant Classification Scheme 2023. Collection method: clinical testing. Allele origin: germline.
Comment: The p.S2067T variant (also known as c.6199T>A), located in coding exon 10 of the BRCA2 gene, results from a T to A substitution at nucleotide position 6199. The serine at codon 2067 is replaced by threonine, an amino acid with similar properties. This amino acid position is poorly conserved in available vertebrate species. In addition, this alteration is predicted to be tolerated by in silico analysis. Since supporting evidence is limited at this time, the clinical significance of this alteration remains unclear.

University of Washington Department of Laboratory Medicine, University of Washington
Classification: Likely benign for Hereditary cancer-predisposing syndrome. Last evaluated: 2023-03-23. Review status: criteria provided, single submitter. Criteria: Dines et al. (Genet Med. 2020). Collection method: curation. Allele origin: germline.
Comment: Missense variant in a coldspot region where missense variants are very unlikely to be pathogenic (PMID:31911673).

BRCA2 exon 11 coldspot. Reclassification based on statistical prior probability.

Quest Diagnostics Nichols Institute San Juan Capistrano
Classification: Uncertain significance. Last evaluated: 2016-08-19. Review status: criteria provided, single submitter. Criteria: Quest Diagnostics criteria. Collection method: clinical testing. Allele origin: germline.

Sharing Clinical Reports Project (SCRP)
Classification: Uncertain significance for Breast-ovarian cancer, familial 2. Last evaluated: 2010-09-22. Review status: no assertion criteria provided. Collection method: clinical testing. Allele origin: germline. Not counted in ClinVar's aggregate classification.

Literature cited by the submitters: PubMed 31853058 (cited by Color Diagnostics, LLC DBA Color Health).

NM_000059.4(BRCA2):c.6199T>A (p.Ser2067Thr)

Gene: BRCA2 (BRCA2 DNA repair associated; plus strand). Cytogenetic location: 13q13.1.
Variant type: single nucleotide variant.
Coding change: c.6199T>A on transcript NM_000059.4 (MANE Select); coding-DNA position 6199, T replaced by A.
Protein change: p.Ser2067Thr; replaces serine 2067 with threonine.
Molecular consequence: missense variant.
Genome position (GRCh38, 1-based): chr13:32,340,554, T>A. VCF-style: chr13-32340554-T-A. GRCh37 (hg19) VCF-style: chr13-32914691-T-A.
Other names: 6427T>A; short protein forms S2067T.
Identifiers: ClinVar variation 38025 (VCV000038025.19), dbSNP rs143806921, ClinGen allele CA023733.
Genomic context (GRCh38, chr13:32,340,554, plus strand): 5'-TATAATGTGGTAAATTCATCTGCTTTCTCTGGATTTAGTACAGCAAGTGGAAAGCAAGTT[T>A]CCATTTTAGAAAGTTCCTTACACAAAGTTAAGGGAGTGTTAGAGGAATTTGATTTAATCA-3'
Protein context (NP_000050.3, residues 2057-2077): GFSTASGKQV[Ser2067Thr]ILESSLHKVK